The following is an entry in ClinVar:

ClinVar aggregate classification (germline): Uncertain significance (1 of 4 stars; one submission).

Submission:

Labcorp Genetics (formerly Invitae), Labcorp
Classification: Uncertain significance. Last evaluated: 2019-10-27. Review status: criteria provided, single submitter. Criteria: Invitae Variant Classification Sherloc (09022015). Collection method: clinical testing. Allele origin: germline.
Comment: This variant has not been reported in the literature in individuals with MSH3-related disease. This variant is not present in population databases (ExAC no frequency). This sequence change falls in intron 4 of the MSH3 gene. It does not directly change the encoded amino acid sequence of the MSH3 protein, but it affects a nucleotide within the consensus splice site of the intron. In summary, the available evidence is currently insufficient to determine the role of this variant in disease. Therefore, it has been classified as a Variant of Uncertain Significance. Nucleotide substitutions within the consensus splice site are a relatively common cause of aberrant splicing (PMID: 17576681, 9536098). Algorithms developed to predict the effect of sequence changes on RNA splicing suggest that this variant is not likely to affect RNA splicing, but this prediction has not been confirmed by published transcriptional studies.

Literature cited by the submitters: PubMed 17576681; PubMed 9536098.

NM_002439.5(MSH3):c.792+4A>C

Gene: MSH3 (mutS homolog 3; plus strand). Cytogenetic location: 5q14.1.
Variant type: single nucleotide variant.
Coding change: c.792+4A>C on transcript NM_002439.5 (MANE Select); 4 bases into the intron after coding-DNA position 792, A replaced by C.
Molecular consequence: intron variant.
Genome position (GRCh38, 1-based): chr5:80,670,313, A>C. VCF-style: chr5-80670313-A-C. GRCh37 (hg19) VCF-style: chr5-79966132-A-C.
Identifiers: ClinVar variation 645480 (VCV000645480.8), dbSNP rs1580550438, ClinGen allele CA915943430.